The following is an entry in ClinVar:

ClinVar aggregate classification (germline): Likely benign. Review status: criteria provided, multiple submitters, no conflicts (2 of 4 stars). 4 submissions from 4 submitters: Likely benign (4). Last evaluated 2025-11-23.

Conditions:
Familial cancer of breast. Also called: BREAST CANCER, FAMILIAL; hereditary breast carcinoma; Hereditary breast cancer. Identifiers: Orphanet 227535, MedGen C0346153, MONDO:0016419, OMIM 114480. Disease mechanism: loss of function.
Fanconi anemia complementation group J. Also called: BRIP1-Related Fanconi Anemia. Identifiers: Orphanet 84, MedGen C1836860, MONDO:0012187, OMIM 609054.
Hereditary cancer-predisposing syndrome. Also called: Neoplastic Syndromes, Hereditary; Hereditary neoplastic syndrome; Tumor predisposition; Hereditary Cancer Syndrome. Identifiers: Orphanet 140162, MedGen C0027672, MeSH D009386, MONDO:0015356.

gnomAD v4.1: 12 of 1,613,408 alleles (0.00074%); highest among the groups gnomAD compares: East Asian, 0.02%; no homozygotes.

Submissions (4):

Labcorp Genetics (formerly Invitae), Labcorp
Classification: Likely benign for Familial cancer of breast; Fanconi anemia complementation group J. Last evaluated: 2025-11-23. Review status: criteria provided, single submitter. Criteria: Invitae Variant Classification Sherloc (09022015). Collection method: clinical testing. Allele origin: germline.

Myriad Genetics, Inc.
Classification: Likely benign for Familial cancer of breast. Last evaluated: 2024-08-21. Review status: criteria provided, single submitter. Criteria: Myriad Autosomal Dominant, Autosomal Recessive and X-Linked Classification Criteria (2023). Collection method: clinical testing. Allele origin: unknown.
Comment: This variant is considered likely benign. This variant is intronic and is not expected to impact mRNA splicing.

Color Diagnostics, LLC DBA Color Health
Classification: Likely benign for Hereditary cancer-predisposing syndrome. Last evaluated: 2017-08-17. Review status: criteria provided, single submitter. Criteria: ACMG Guidelines, 2015. Collection method: clinical testing. Allele origin: germline.

GeneDx
Classification: Likely benign. Last evaluated: 2016-09-08. Review status: criteria provided, single submitter. Criteria: GeneDx Variant Classification (06012015). Collection method: clinical testing. Allele origin: germline. Affected: yes.
Comment: This variant is considered likely benign or benign based on one or more of the following criteria: it is a conservative change, it occurs at a poorly conserved position in the protein, it is predicted to be benign by multiple in silico algorithms, and/or has population frequency not consistent with disease.

NM_032043.3(BRIP1):c.507+10G>A

Gene: BRIP1 (BRCA1 interacting DNA helicase 1; minus strand). Cytogenetic location: 17q23.2.
Variant type: single nucleotide variant.
Coding change: c.507+10G>A on transcript NM_032043.3 (MANE Select); 10 bases into the intron after coding-DNA position 507, G replaced by A.
Molecular consequence: intron variant.
Genome position (GRCh38, 1-based): chr17:61,849,119, C>T on the plus strand (G>A on the coding strand, the complement: BRIP1 is on the minus strand). VCF-style: chr17-61849119-C-T. GRCh37 (hg19) VCF-style: chr17-59926480-C-T.
Identifiers: ClinVar variation 389256 (VCV000389256.16), dbSNP rs1057523376, ClinGen allele CA16608580.